The following is an entry in ClinVar:

ClinVar aggregate classification (germline): Benign/Likely benign. Review status: criteria provided, multiple submitters, no conflicts (2 of 4 stars). 6 submissions from 6 submitters: Benign (2); Likely benign (2). 2 of the submissions do not count toward it. Last evaluated 2026-01-18.

Conditions:
Breast-ovarian cancer, familial, susceptibility to, 5 (BROVCA5). Identifiers: MedGen C5830615, MONDO:0957530, OMIM 620442.
Familial cancer of breast. Also called: BREAST CANCER, FAMILIAL; Hereditary breast cancer; hereditary breast carcinoma. Identifiers: Orphanet 227535, MedGen C0346153, MONDO:0016419, OMIM 114480. Disease mechanism: loss of function.
Hereditary cancer-predisposing syndrome. Also called: Tumor predisposition; Hereditary Cancer Syndrome; Hereditary neoplastic syndrome; Neoplastic Syndromes, Hereditary. Identifiers: Orphanet 140162, MedGen C0027672, MeSH D009386, MONDO:0015356.

Allele frequency attached by ClinVar (database versions not stated): TOPMed 0.00003; gnomAD exomes 0.00004 and 0.00005; gnomAD 0.00006.
gnomAD v4.1: 76 of 1,613,972 alleles (0.0047%); highest among the groups gnomAD compares: Middle Eastern, 0.016%; no homozygotes.

Submissions (6):

Labcorp Genetics (formerly Invitae), Labcorp
Classification: Likely benign for Familial cancer of breast. Last evaluated: 2026-01-18. Review status: criteria provided, single submitter. Criteria: Invitae Variant Classification Sherloc (09022015). Collection method: clinical testing. Allele origin: germline.

KCCC/NGS Laboratory, Kuwait Cancer Control Center
Classification: Benign for Breast-ovarian cancer, familial, susceptibility to, 5. Last evaluated: 2025-02-01. Review status: criteria provided, single submitter. Criteria: ACMG Guidelines, 2015. Collection method: clinical testing. Allele origin: germline. Affected: no.

Color Diagnostics, LLC DBA Color Health
Classification: Likely benign for Hereditary cancer-predisposing syndrome. Last evaluated: 2016-11-04. Review status: criteria provided, single submitter. Criteria: ACMG Guidelines, 2015. Collection method: clinical testing. Allele origin: germline.

GeneDx
Classification: Benign. Last evaluated: 2014-09-09. Review status: criteria provided, single submitter. Criteria: GeneDx Variant Classification (06012015). Collection method: clinical testing. Allele origin: germline. Affected: yes.
Comment: This variant is considered likely benign or benign based on one or more of the following criteria: it is a conservative change, it occurs at a poorly conserved position in the protein, it is predicted to be benign by multiple in silico algorithms, and/or has population frequency not consistent with disease.

Genome Diagnostics Laboratory, Amsterdam University Medical Center
Classification: Likely benign. Review status: no assertion criteria provided. Collection method: clinical testing. Allele origin: germline. Affected: yes. Study: VKGL Data-share Consensus. Not counted in ClinVar's aggregate classification.

Joint Genome Diagnostic Labs from Nijmegen and Maastricht, Radboudumc and MUMC+
Classification: Likely benign. Review status: no assertion criteria provided. Collection method: clinical testing. Allele origin: germline. Affected: yes. Study: VKGL Data-share Consensus. Not counted in ClinVar's aggregate classification.

NM_024675.4(PALB2):c.2748+16G>A

Gene: PALB2 (partner and localizer of BRCA2; minus strand). Cytogenetic location: 16p12.2.
Variant type: single nucleotide variant.
Coding change: c.2748+16G>A on transcript NM_024675.4 (MANE Select); 16 bases into the intron after coding-DNA position 2748, G replaced by A.
Molecular consequence: intron variant.
Genome position (GRCh38, 1-based): chr16:23,626,220, C>T on the plus strand (G>A on the coding strand, the complement: PALB2 is on the minus strand). VCF-style: chr16-23626220-C-T. GRCh37 (hg19) VCF-style: chr16-23637541-C-T.
Identifiers: ClinVar variation 182748 (VCV000182748.16), dbSNP rs730881873, ClinGen allele CA299678.